The following is an entry in ClinVar:

ClinVar aggregate classification (germline): Pathogenic (1 of 4 stars; one submission).

Conditions:
Ataxia-telangiectasia syndrome (AT). Also called: LOUIS-BAR SYNDROME; Ataxia-telangiectasia, complementation group D; ATAXIA-TELANGIECTASIA, COMPLEMENTATION GROUP A; ATAXIA-TELANGIECTASIA, FRESNO VARIANT; Ataxia-telangiectasia; Ataxia telangiectasia (A-T). Identifiers: Orphanet 100, MedGen C0004135, MONDO:0008840, OMIM 208900.

Submission:

Labcorp Genetics (formerly Invitae), Labcorp
Classification: Pathogenic for Ataxia-telangiectasia syndrome. Last evaluated: 2023-01-26. Review status: criteria provided, single submitter. Criteria: Invitae Variant Classification Sherloc (09022015). Collection method: clinical testing. Allele origin: germline.
Comment: This sequence change creates a premature translational stop signal (p.Ser1893*) in the ATM gene. It is expected to result in an absent or disrupted protein product. Loss-of-function variants in ATM are known to be pathogenic (PMID: 23807571, 25614872). This variant is not present in population databases (gnomAD no frequency). This variant has not been reported in the literature in individuals affected with ATM-related conditions. For these reasons, this variant has been classified as Pathogenic.

Literature cited by the submitters: PubMed 23807571; PubMed 25614872.

NM_000051.4(ATM):c.5678C>A (p.Ser1893Ter)

Gene: ATM (ATM serine/threonine kinase; plus strand). Cytogenetic location: 11q22.3.
Variant type: single nucleotide variant.
Coding change: c.5678C>A on transcript NM_000051.4 (MANE Select); coding-DNA position 5678, C replaced by A.
Protein change: p.Ser1893Ter; replaces serine 1893 with a stop codon.
Molecular consequence: nonsense.
Genome position (GRCh38, 1-based): chr11:108,307,900, C>A. VCF-style: chr11-108307900-C-A. GRCh37 (hg19) VCF-style: chr11-108178627-C-A.
Other names: c.5678C>A, p.Ser1893Ter (NM_001351834.2); short protein forms S1893*.
Identifiers: ClinVar variation 2832282 (VCV002832282.3), dbSNP rs2135975734, ClinGen allele CA382547726.